The following is an entry in ClinVar:

ClinVar aggregate classification (germline): Uncertain significance. Review status: criteria provided, multiple submitters, no conflicts (2 of 4 stars). 2 submissions from 2 submitters: Uncertain significance (2). Last evaluated 2025-10-29.

Conditions:
Inborn genetic diseases. Identifiers: MedGen C0950123, MeSH D030342.
Immunodeficiency 104. Also called: SCID, AUTOSOMAL RECESSIVE, T CELL-NEGATIVE, B CELL-POSITIVE, NK CELL-POSITIVE; Severe combined immunodeficiency, autosomal recessive, T cell-negative, B cell-positive, NK cell-positive; Severe Combined Immune Deficiency, Autosomal Recessive, TCell -Negative, B Cell-Positive, NK Cell-Positive, IL7R-Related; IMMUNODEFICIENCY 104, SEVERE COMBINED. Identifiers: MedGen C5676890, MONDO:0012163, OMIM 608971.

Submissions (2):

Ambry Genetics
Classification: Uncertain significance for Inborn genetic diseases. Last evaluated: 2025-10-29. Review status: criteria provided, single submitter. Criteria: Ambry Variant Classification Scheme 2023. Collection method: clinical testing. Allele origin: germline.

Labcorp Genetics (formerly Invitae), Labcorp
Classification: Uncertain significance for Immunodeficiency 104. Last evaluated: 2023-06-23. Review status: criteria provided, single submitter. Criteria: Invitae Variant Classification Sherloc (09022015). Collection method: clinical testing. Allele origin: germline.
Comment: Advanced modeling of protein sequence and biophysical properties (such as structural, functional, and spatial information, amino acid conservation, physicochemical variation, residue mobility, and thermodynamic stability) performed at Invitae indicates that this missense variant is expected to disrupt IL7R protein function. In summary, the available evidence is currently insufficient to determine the role of this variant in disease. Therefore, it has been classified as a Variant of Uncertain Significance. This variant has not been reported in the literature in individuals affected with IL7R-related conditions. This variant is not present in population databases (gnomAD no frequency). This sequence change replaces tyrosine, which is neutral and polar, with cysteine, which is neutral and slightly polar, at codon 139 of the IL7R protein (p.Tyr139Cys).

NM_002185.5(IL7R):c.416A>G (p.Tyr139Cys)

Gene: IL7R (interleukin 7 receptor; plus strand). Cytogenetic location: 5p13.2.
Variant type: single nucleotide variant.
Coding change: c.416A>G on transcript NM_002185.5 (MANE Select); coding-DNA position 416, A replaced by G.
Protein change: p.Tyr139Cys; replaces tyrosine 139 with cysteine.
Molecular consequence: missense variant. On other transcripts: non-coding transcript variant (1).
Genome position (GRCh38, 1-based): chr5:35,871,092, A>G. VCF-style: chr5-35871092-A-G. GRCh37 (hg19) VCF-style: chr5-35871194-A-G.
Other names: c.416A>G, p.Tyr139Cys (NM_001410734.1); short protein forms Y139C.
Identifiers: ClinVar variation 2828388 (VCV002828388.4), dbSNP rs2149901646, ClinGen allele CA359429790.